The following is an entry in ClinVar:

ClinVar aggregate classification (germline): Likely benign. Review status: criteria provided, single submitter (1 of 4 stars). 2 submissions from 2 submitters: Likely benign (1). 1 of the submissions does not count toward it. Last evaluated 2022-03-22.

Conditions:
PLXNA2-related disorder. Also called: PLXNA2-related condition.

gnomAD v4.1: 9 of 1,614,028 alleles (0.00056%); highest among the groups gnomAD compares: African/African-American, 0.004%; no homozygotes.

Submissions (2):

Labcorp Genetics (formerly Invitae), Labcorp
Classification: Likely benign. Last evaluated: 2022-03-22. Review status: criteria provided, single submitter. Criteria: Invitae Variant Classification Sherloc (09022015). Collection method: clinical testing. Allele origin: germline.

PreventionGenetics, part of Exact Sciences
Classification: Likely benign for PLXNA2-related condition. Last evaluated: 2021-10-26. Review status: no assertion criteria provided. Collection method: clinical testing. Allele origin: germline. Not counted in ClinVar's aggregate classification.
Comment: This variant is classified as likely benign based on ACMG/AMP sequence variant interpretation guidelines (Richards et al. 2015 PMID: 25741868, with internal and published modifications).

NM_025179.4(PLXNA2):c.840C>T (p.Ile280=)

Gene: PLXNA2 (plexin A2; minus strand). Cytogenetic location: 1q32.2.
Variant type: single nucleotide variant.
Coding change: c.840C>T on transcript NM_025179.4 (MANE Select); coding-DNA position 840, C replaced by T.
Protein change: p.Ile280=; no amino-acid change (isoleucine 280 retained).
Molecular consequence: synonymous variant.
Genome position (GRCh38, 1-based): chr1:208,217,083, G>A on the plus strand (C>T on the coding strand, the complement: PLXNA2 is on the minus strand). VCF-style: chr1-208217083-G-A. GRCh37 (hg19) VCF-style: chr1-208390428-G-A.
Other names: c.840C>T (NM_025179.3).
Identifiers: ClinVar variation 2053974 (VCV002053974.6), dbSNP rs201134624, ClinGen allele CA423142447.